The following is an entry in ClinVar:

NM_001170629.2(CHD8):c.4570+17_4570+18insTATCAACTCTTTTTTTTTTTTTTTTTTTTTTTNNNNNNNNNNAGAGGGAGAGGGAGAGGGAGAGGGAGAGGGAGAGGGAGAGGGAGAGGGAGAGGGAGAGGGAGAGGGAGAGC

Gene: CHD8 (chromodomain helicase DNA binding protein 8; minus strand). Cytogenetic location: 14q11.2.
Variant type: Insertion.
Coding change: c.4570+17_4570+18insTATCAACTCTTTTTTTTTTTTTTTTTTTTTTTNNNNNNNNNNAGAGGGAGAGGGAGAGGGAGAGGGAGAGGGAGAGGGAGAGGGAGAGGGAGAGGGAGAGGGAGAGGGAGAGC on transcript NM_001170629.2 (MANE Select); bases 17 to 18 of the intron after coding-DNA position 4570, TATCAACTCTTTTTTTTTTTTTTTTTTTTTTTNNNNNNNNNNAGAGGGAGAGGGAGAGGGAGAGGGAGAGGGAGAGGGAGAGGGAGAGGGAGAGGGAGAGGGAGAGGGAGAGC inserted.
Molecular consequence: intron variant.
Genome position: GRCh38: chr14:21,400,407-21,400,408. GRCh37 (hg19): chr14:21,868,566-21,868,567.
Other names: c.3733+17_3733+18insTATCAACTCTTTTTTTTTTTTTTTTTTTTTTTNNNNNNNNNNAGAGGGAGAGGGAGAGGGAGAGGGAGAGGGAGAGGGAGAGGGAGAGGGAGAGGGAGAGGGAGAGGGAGAGC (NM_020920.4).
Identifiers: ClinVar variation 2014575 (VCV002014575.4), dbSNP rs2501888225.

ClinVar aggregate classification (germline): Uncertain significance (1 of 4 stars; one submission).

Submission:

Labcorp Genetics (formerly Invitae), Labcorp
Classification: Uncertain significance. Last evaluated: 2022-10-24. Review status: criteria provided, single submitter. Criteria: Invitae Variant Classification Sherloc (09022015). Collection method: clinical testing. Allele origin: germline.
Comment: This sequence change falls in intron 22 of the CHD8 gene. It does not directly change the encoded amino acid sequence of the CHD8 protein. This variant is not present in population databases (gnomAD no frequency). This variant has not been reported in the literature in individuals affected with CHD8-related conditions. Algorithms developed to predict the effect of sequence changes on RNA splicing suggest that this variant may disrupt the consensus splice site. In summary, the available evidence is currently insufficient to determine the role of this variant in disease. Therefore, it has been classified as a Variant of Uncertain Significance.